The following is an entry in ClinVar:

NM_021098.3(CACNA1H):c.5869G>A (p.Gly1957Arg)

Gene: CACNA1H (calcium voltage-gated channel subunit alpha1 H; plus strand). Cytogenetic location: 16p13.3.
Variant type: single nucleotide variant.
Coding change: c.5869G>A on transcript NM_021098.3 (MANE Select); coding-DNA position 5869, G replaced by A.
Protein change: p.Gly1957Arg; replaces glycine 1957 with arginine.
Molecular consequence: missense variant.
Genome position (GRCh38, 1-based): chr16:1,218,633, G>A. VCF-style: chr16-1218633-G-A. GRCh37 (hg19) VCF-style: chr16-1268633-G-A.
Other names: c.5851G>A, p.Gly1951Arg (NM_001005407.2); short protein forms G1957R, G1951R.
Identifiers: ClinVar variation 1982303 (VCV001982303.4), dbSNP rs1368233250, ClinGen allele CA394148058.

ClinVar aggregate classification (germline): Uncertain significance (1 of 4 stars; one submission).

Conditions:
Hyperaldosteronism, familial, type IV (HALD4). Also called: FH IV; ALDOSTERONISM, PRIMARY, AND HYPERTENSION. Identifiers: Orphanet 642671, MedGen C4310756, MONDO:0014875, OMIM 617027.
Idiopathic generalized epilepsy. Also called: EIG; Generalised epilepsy. Identifiers: MedGen C0270850, MONDO:0005579, OMIM 600669.

Allele frequency attached by ClinVar (database versions not stated): gnomAD exomes below 0.00001.
gnomAD v4.1: 2 of 1,552,994 alleles (0.00013%); highest among the groups gnomAD compares: Non-Finnish European, 0.00017%; no homozygotes.

Submission:

Labcorp Genetics (formerly Invitae), Labcorp
Classification: Uncertain significance for Idiopathic generalized epilepsy; Hyperaldosteronism, familial, type IV. Last evaluated: 2022-04-23. Review status: criteria provided, single submitter. Criteria: Invitae Variant Classification Sherloc (09022015). Collection method: clinical testing. Allele origin: germline.
Comment: This sequence change replaces glycine, which is neutral and non-polar, with arginine, which is basic and polar, at codon 1957 of the CACNA1H protein (p.Gly1957Arg). This variant is not present in population databases (gnomAD no frequency). This variant has not been reported in the literature in individuals affected with CACNA1H-related conditions. Advanced modeling of protein sequence and biophysical properties (such as structural, functional, and spatial information, amino acid conservation, physicochemical variation, residue mobility, and thermodynamic stability) performed at Invitae indicates that this missense variant is not expected to disrupt CACNA1H protein function. In summary, the available evidence is currently insufficient to determine the role of this variant in disease. Therefore, it has been classified as a Variant of Uncertain Significance.